The following is an entry in ClinVar:

ClinVar aggregate classification (germline): Uncertain significance (1 of 4 stars; one submission).

Conditions:
Neuropathy, hereditary sensory, type 2C. Also called: Hereditary sensory and autonomic neuropathy type IIC; KIF1A-Related HSAN2 (HSAN2C). Identifiers: Orphanet 970, MedGen C3280168, MONDO:0013634, OMIM 614213.
Intellectual disability, autosomal dominant 9 (NESCAVS). Also called: KIF1A-Related Neurodevelopmental Disorder; NESCAV SYNDROME. Identifiers: Orphanet 662367, MedGen C5393830, MONDO:0013656, OMIM 614255.
Hereditary spastic paraplegia 30. Identifiers: Orphanet 101010, MedGen C5235139, MONDO:0012476.

Allele frequency attached by ClinVar (database versions not stated): gnomAD exomes below 0.00001; ExAC 0.00001; gnomAD 0.00001.
gnomAD v4.1: 7 of 1,612,788 alleles (0.00043%); highest among the groups gnomAD compares: African/African-American, 0.0013%; no homozygotes.

Submission:

Labcorp Genetics (formerly Invitae), Labcorp
Classification: Uncertain significance for Hereditary spastic paraplegia 30; Neuropathy, hereditary sensory, type 2C; Intellectual disability, autosomal dominant 9. Last evaluated: 2025-04-20. Review status: criteria provided, single submitter. Criteria: Invitae Variant Classification Sherloc (09022015). Collection method: clinical testing. Allele origin: germline.
Comment: This sequence change replaces arginine, which is basic and polar, with cysteine, which is neutral and slightly polar, at codon 579 of the KIF1A protein (p.Arg579Cys). The frequency data for this variant in the population databases is considered unreliable, as metrics indicate poor data quality at this position in the gnomAD database. This variant has not been reported in the literature in individuals affected with KIF1A-related conditions. ClinVar contains an entry for this variant (Variation ID: 953443). Invitae Evidence Modeling of protein sequence and biophysical properties (such as structural, functional, and spatial information, amino acid conservation, physicochemical variation, residue mobility, and thermodynamic stability) indicates that this missense variant is expected to disrupt KIF1A protein function with a positive predictive value of 95%. In summary, the available evidence is currently insufficient to determine the role of this variant in disease. Therefore, it has been classified as a Variant of Uncertain Significance.

NM_001244008.2(KIF1A):c.1762C>T (p.Arg588Cys)

Gene: KIF1A (kinesin family member 1A; minus strand). Cytogenetic location: 2q37.3.
Variant type: single nucleotide variant.
Coding change: c.1762C>T on transcript NM_001244008.2 (MANE Select); coding-DNA position 1762, C replaced by T.
Protein change: p.Arg588Cys; replaces arginine 588 with cysteine.
Molecular consequence: missense variant.
Genome position (GRCh38, 1-based): chr2:240,765,716, G>A on the plus strand (C>T on the coding strand, the complement: KIF1A is on the minus strand). VCF-style: chr2-240765716-G-A. GRCh37 (hg19) VCF-style: chr2-241705133-G-A.
Other names: c.1762C>T, p.Arg588Cys (NM_001320705.2, NM_001330289.2, NM_001379638.1); c.1837C>T, p.Arg613Cys (NM_001330290.2, NM_001379631.1, NM_001379634.1 and 2 more transcripts); c.1735C>T, p.Arg579Cys (NM_001379632.1, NM_001379633.1, NM_001379636.1 and 10 more transcripts); c.1810C>T, p.Arg604Cys (NM_001379637.1, NM_001379648.1); short protein forms R588C, R579C, R604C, R613C.
Identifiers: ClinVar variation 953443 (VCV000953443.10), dbSNP rs755058594, ClinGen allele CA2208290.